The following is an entry in ClinVar:

NM_000051.4(ATM):c.7165dup (p.Ser2389fs)

Genes: ATM (ATM serine/threonine kinase; plus strand), C11orf65 (chromosome 11 open reading frame 65; minus strand). Cytogenetic location: 11q22.3.
Variant type: Duplication.
Coding change: c.7165dup on transcript NM_000051.4 (MANE Select); coding-DNA position 7165, one base duplicated (T; older notation c.7165dupT).
Protein change: p.Ser2389fs; shifts the reading frame from serine 2389.
Molecular consequence: frameshift variant. On other transcripts: intron variant (2).
Genome position (GRCh38, 1-based): chr11:108,329,096, T duplicated. VCF-style (leftmost placement, unchanged base first): chr11-108329095-C-CT. GRCh37 (hg19) VCF-style: chr11-108199822-C-CT.
Other names: c.7165dup, p.Ser2389fs (NM_001351834.2); c.641-20025dup (NM_001330368.2); c.*38+6124dup (NM_001351110.2); short protein forms S2389fs.
Identifiers: ClinVar variation 3638351 (VCV003638351.2).
Genomic context (GRCh38, chr11:108,329,095, plus strand): 5'-TGGAAATTATGATGGAGAAAGTAGTGATGAGCTAAGAAATGGAAAAATGAAGGCATTTCT[C>CT]TCATTAGCCCGGTTTTCAGATACTCAATACCAAAGAATTGAAAACTACATGAAATCATCG-3'

ClinVar aggregate classification (germline): Pathogenic (1 of 4 stars; one submission).

Conditions:
Ataxia-telangiectasia syndrome (AT). Also called: Ataxia-telangiectasia, complementation group D; AT, COMPLEMENTATION GROUP C; ATAXIA-TELANGIECTASIA, COMPLEMENTATION GROUP A; ATAXIA-TELANGIECTASIA, FRESNO VARIANT; Ataxia-telangiectasia; Ataxia-telangiectasia, complementation group E. Identifiers: Orphanet 100, MedGen C0004135, MONDO:0008840, OMIM 208900.

Submission:

Labcorp Genetics (formerly Invitae), Labcorp
Classification: Pathogenic for Ataxia-telangiectasia syndrome. Last evaluated: 2024-02-02. Review status: criteria provided, single submitter. Criteria: Invitae Variant Classification Sherloc (09022015). Collection method: clinical testing. Allele origin: germline.
Comment: This sequence change creates a premature translational stop signal (p.Ser2389Phefs*14) in the ATM gene. It is expected to result in an absent or disrupted protein product. Loss-of-function variants in ATM are known to be pathogenic (PMID: 23807571, 25614872). This variant is not present in population databases (gnomAD no frequency). This variant has not been reported in the literature in individuals affected with ATM-related conditions. For these reasons, this variant has been classified as Pathogenic.

Literature cited by the submitters: PubMed 23807571; PubMed 25614872.